The following is an entry in ClinVar:

NM_003738.5(PTCH2):c.628G>A (p.Asp210Asn)

Gene: PTCH2 (patched 2; minus strand). Cytogenetic location: 1p34.1.
Variant type: single nucleotide variant.
Coding change: c.628G>A on transcript NM_003738.5 (MANE Select); coding-DNA position 628, G replaced by A.
Protein change: p.Asp210Asn; replaces aspartic acid 210 with asparagine.
Molecular consequence: missense variant.
Genome position (GRCh38, 1-based): chr1:44,831,033, C>T on the plus strand (G>A on the coding strand, the complement: PTCH2 is on the minus strand). VCF-style: chr1-44831033-C-T. GRCh37 (hg19) VCF-style: chr1-45296705-C-T.
Other names: c.628G>A, p.Asp210Asn (NM_001166292.2); short protein forms D210N.
Identifiers: ClinVar variation 4881682 (VCV004881682.2).

ClinVar aggregate classification (germline): Uncertain significance (1 of 4 stars; one submission).

Submission:

Dasa
Classification: Uncertain significance. Last evaluated: 2025-06-09. Review status: criteria provided, single submitter. Criteria: DASA Assertion Criteria. Collection method: clinical testing. Allele origin: germline.
Comment: NM_003738.5(PTCH2):c.628G>A (p.Asp210Asn) is a missense variant that results in the substitution of aspartic acid with asparagine. This variant is absent from population databases. Computational prediction algorithms are consistent with a benign effect. The currently available literature and clinical evidence are not sufficient to establish a definitive association between this variant and the reported condition. Therefore, this variant is classified as a variant of uncertain significance.